The following is an entry in ClinVar:

NM_000260.4(MYO7A):c.3750+89C>T

Gene: MYO7A (myosin VIIA; plus strand). Cytogenetic location: 11q13.5.
Variant type: single nucleotide variant.
Coding change: c.3750+89C>T on transcript NM_000260.4 (MANE Select); 89 bases into the intron after coding-DNA position 3750, C replaced by T.
Molecular consequence: intron variant.
Genome position (GRCh38, 1-based): chr11:77,190,228, C>T. VCF-style: chr11-77190228-C-T. GRCh37 (hg19) VCF-style: chr11-76901273-C-T.
Other names: c.3717+89C>T (NM_001369365.1); c.3750+89C>T (NM_001127180.2).
Identifiers: ClinVar variation 670359 (VCV000670359.5), dbSNP rs2276286, ClinGen allele CA13464832.
Genomic context (GRCh38, chr11:77,190,228, plus strand): 5'-GTGCATGTGTGCGCACGTGTGTAAATGCGTGTGTGTGTGTGTCCAGTGCACTCGAGTGCC[C>T]CAGAAACATTCCCTGCTTTGAGATTCTGTGGTTCCTCAGACACCTACCCTCAAGTTCTGG-3'

ClinVar aggregate classification (germline): Benign. Review status: criteria provided, multiple submitters, no conflicts (2 of 4 stars). 5 submissions from 3 submitters: Benign (5). Last evaluated 2021-07-01.

Conditions:
Usher syndrome type 1 (USH1). Also called: RETINITIS PIGMENTOSA AND CONGENITAL DEAFNESS. Identifiers: Orphanet 231169, Orphanet 886, MedGen C1568247, MONDO:0010168, OMIM 276900.
Autosomal dominant nonsyndromic hearing loss 11. Identifiers: Orphanet 90635, MedGen C1832475, MONDO:0011032, OMIM 601317.
Autosomal recessive nonsyndromic hearing loss 2. Also called: DEAFNESS, AUTOSOMAL RECESSIVE 2; NEUROSENSORY NONSYNDROMIC RECESSIVE DEAFNESS 2. Identifiers: Orphanet 90636, MedGen C1838701, MONDO:0010807, OMIM 600060.

Allele frequency attached by ClinVar (database versions not stated): gnomAD exomes 0.54354; 1000 Genomes Project 0.57987; 1000 Genomes Project 30x 0.58854; gnomAD 0.61886 and 0.63230; TOPMed 0.63177.
gnomAD v4.1: 679,708 of 1,231,032 alleles (55%); highest among the groups gnomAD compares: African/African-American, 81%; 192,299 homozygotes.

Submissions (5):

Genome-Nilou Lab
Classification: Benign for Autosomal dominant nonsyndromic hearing loss 11. Last evaluated: 2021-07-01. Review status: criteria provided, single submitter. Criteria: ACMG Guidelines, 2015. Collection method: clinical testing. Allele origin: germline. Affected: no.

Genome-Nilou Lab
Classification: Benign for Autosomal recessive nonsyndromic hearing loss 2. Last evaluated: 2021-07-01. Review status: criteria provided, single submitter. Criteria: ACMG Guidelines, 2015. Collection method: clinical testing. Allele origin: germline. Affected: no.

Genome-Nilou Lab
Classification: Benign for Usher syndrome type 1. Last evaluated: 2021-07-01. Review status: criteria provided, single submitter. Criteria: ACMG Guidelines, 2015. Collection method: clinical testing. Allele origin: germline. Affected: no.

GeneDx
Classification: Benign. Last evaluated: 2018-06-13. Review status: criteria provided, single submitter. Criteria: GeneDx Variant Classification (06012015). Collection method: clinical testing. Allele origin: germline. Affected: yes.
Comment: This variant is considered likely benign or benign based on one or more of the following criteria: it is a conservative change, it occurs at a poorly conserved position in the protein, it is predicted to be benign by multiple in silico algorithms, and/or has population frequency not consistent with disease.

Breakthrough Genomics
Classification: Benign. Review status: criteria provided, single submitter. Criteria: ACMG Guidelines, 2015. Collection method: not provided. Allele origin: germline. Inheritance: Autosomal recessive inheritance. Affected: yes.